The following is an entry in ClinVar:

NM_006158.5(NEFL):c.734T>C (p.Val245Ala)

Gene: NEFL (neurofilament light chain; minus strand). Cytogenetic location: 8p21.2.
Variant type: single nucleotide variant.
Coding change: c.734T>C on transcript NM_006158.5 (MANE Select); coding-DNA position 734, T replaced by C.
Protein change: p.Val245Ala; replaces valine 245 with alanine.
Molecular consequence: missense variant.
Genome position (GRCh38, 1-based): chr8:24,955,782, A>G on the plus strand (T>C on the coding strand, the complement: NEFL is on the minus strand). VCF-style: chr8-24955782-A-G. GRCh37 (hg19) VCF-style: chr8-24813296-A-G.
Other names: short protein forms V245A.
Identifiers: ClinVar variation 1758450 (VCV001758450.2), dbSNP rs1803040783, ClinGen allele CA370621746.

ClinVar aggregate classification (germline): Uncertain significance (1 of 4 stars; one submission).

Conditions:
Inborn genetic diseases. Identifiers: MedGen C0950123, MeSH D030342.

Allele frequency attached by ClinVar (database versions not stated): TOPMed below 0.00001.

Submission:

Ambry Genetics
Classification: Uncertain significance for Inborn genetic diseases. Last evaluated: 2021-06-11. Review status: criteria provided, single submitter. Criteria: Ambry Variant Classification Scheme 2023. Collection method: clinical testing. Allele origin: germline.
Comment: The p.V245A variant (also known as c.734T>C), located in coding exon 1 of the NEFL gene, results from a T to C substitution at nucleotide position 734. The valine at codon 245 is replaced by alanine, an amino acid with similar properties. This amino acid position is well conserved in available vertebrate species. In addition, the in silico prediction for this alteration is inconclusive. Since supporting evidence is limited at this time, the clinical significance of this alteration remains unclear.